The following is an entry in ClinVar:

ClinVar aggregate classification (germline): Conflicting classifications of pathogenicity. Review status: criteria provided, conflicting classifications (1 of 4 stars). 10 submissions from 10 submitters: Uncertain significance (7); Likely benign (3). Last evaluated 2026-08-10.

Conditions:
CHD7-related disorder. Also called: CHD7-related condition.
Inborn genetic diseases. Identifiers: MedGen C0950123, MeSH D030342.
CHARGE syndrome (CHARGE). Also called: Hittner Hirsch Kreh syndrome; Coloboma, heart anomaly, choanal atresia, retardation, genital and ear anomalies; CHARGE association; Hall-Hittner syndrome; CHARGE ASSOCIATION--COLOBOMA, HEART ANOMALY, CHOANAL ATRESIA, RETARDATION, GENITAL AND EAR ANOMALIES. Identifiers: Orphanet 138, MedGen C0265354, MONDO:0008965.
Hypogonadotropic hypogonadism 5 with or without anosmia (KAL5). Also called: CHD7-Related GnRH Deficiency (Kallmann Syndrome 5); HYPOGONADOTROPIC HYPOGONADISM 5 WITH ANOSMIA; HYPOGONADOTROPHIC HYPOGONADISM 5 WITHOUT ANOSMIA. Identifiers: Orphanet 478, MedGen C3552553, MONDO:0012880, OMIM 612370. Disease mechanism: loss of function.

Allele frequency attached by ClinVar (database versions not stated): ExAC 0.00003; gnomAD exomes 0.00004 and 0.00003; gnomAD 0.00005; TOPMed 0.00007; 1000 Genomes Project 30x 0.00031.
gnomAD v4.1: 49 of 1,612,970 alleles (0.003%); highest among the groups gnomAD compares: Non-Finnish European, 0.0042%; no homozygotes.

Submissions (10):

GeneDx
Classification: Uncertain significance. Last evaluated: 2026-08-10. Review status: criteria provided, single submitter. Criteria: GeneDx Variant Classification Process June 2021. Collection method: clinical testing. Allele origin: germline.
Comment: Reported in patients with isolated congenital heart defects; however, at least one individual also had a variant in another gene that may have been responsible for the phenotype (PMID: 40127276); In silico analysis supports that this missense variant has a deleterious effect on protein structure/function; This variant is associated with the following publications: (PMID: 40127276)

CeGaT Center for Human Genetics Tuebingen
Classification: Likely benign. Last evaluated: 2026-07-01. Review status: criteria provided, single submitter. Criteria: CeGaT Center For Human Genetics Tuebingen Variant Classification Criteria Version 2. Collection method: clinical testing. Allele origin: germline. Affected: yes. Observed: 6 variant alleles.
Comment: CHD7: PP3, BS2

PreventionGenetics, part of Exact Sciences
Classification: Uncertain significance for CHD7-related condition. Last evaluated: 2026-05-06. Review status: criteria provided, single submitter. Criteria: ACMG Guidelines, 2015. Collection method: clinical testing. Allele origin: germline.
Comment: The CHD7 c.3366G>C variant is predicted to result in the amino acid substitution p.Lys1122Asn. To our knowledge, this variant has not been reported in the literature. This variant is reported in 0.0094% of alleles in individuals of European (Non-Finnish) descent in gnomAD. At this time, the clinical significance of this variant is uncertain due to the absence of conclusive functional and genetic evidence.

Labcorp Genetics (formerly Invitae), Labcorp
Classification: Uncertain significance for CHARGE syndrome. Last evaluated: 2026-02-01. Review status: criteria provided, single submitter. Criteria: Invitae Variant Classification Sherloc (09022015). Collection method: clinical testing. Allele origin: germline.
Comment: This sequence change replaces lysine, which is basic and polar, with asparagine, which is neutral and polar, at codon 1122 of the CHD7 protein (p.Lys1122Asn). This variant is present in population databases (rs41272440, gnomAD 0.01%). This variant has not been reported in the literature in individuals affected with CHD7-related conditions. ClinVar contains an entry for this variant (Variation ID: 95786). Invitae Evidence Modeling of protein sequence and biophysical properties (such as structural, functional, and spatial information, amino acid conservation, physicochemical variation, residue mobility, and thermodynamic stability) has been performed for this missense variant. However, the output from this modeling did not meet the statistical confidence thresholds required to predict the impact of this variant on CHD7 protein function. In summary, the available evidence is currently insufficient to determine the role of this variant in disease. Therefore, it has been classified as a Variant of Uncertain Significance.

Ambry Genetics
Classification: Likely benign for Inborn genetic diseases. Last evaluated: 2025-11-26. Review status: criteria provided, single submitter. Criteria: Ambry Variant Classification Scheme 2023. Collection method: clinical testing. Allele origin: germline.

Blueprint Genetics
Classification: Likely benign. Last evaluated: 2022-08-04. Review status: criteria provided, single submitter. Criteria: ACMG Guidelines, 2015. Collection method: clinical testing. Allele origin: germline.

Fulgent Genetics
Classification: Uncertain significance for CHD7-related CHARGE syndrome; Hypogonadotropic hypogonadism 5 with or without anosmia. Last evaluated: 2022-05-18. Review status: criteria provided, single submitter. Criteria: ACMG Guidelines, 2015. Collection method: clinical testing. Allele origin: unknown.

Revvity Omics, Revvity
Classification: Uncertain significance. Last evaluated: 2021-05-21. Review status: criteria provided, single submitter. Criteria: ACMG Guidelines, 2015. Collection method: clinical testing. Allele origin: germline.

Illumina Laboratory Services, Illumina
Classification: Uncertain significance for Kallmann Syndrome 5. Last evaluated: 2018-01-13. Review status: criteria provided, single submitter. Criteria: ICSL Variant Classification Criteria 13 December 2019. Collection method: clinical testing. Allele origin: germline.

Eurofins Ntd Llc (ga)
Classification: Uncertain significance. Last evaluated: 2016-10-10. Review status: criteria provided, single submitter. Criteria: EGL Classification Definitions 2015. Collection method: clinical testing. Allele origin: germline. Observed: 2 variant alleles, 2 heterozygotes.

NM_017780.4(CHD7):c.3366G>C (p.Lys1122Asn)

Gene: CHD7 (chromodomain helicase DNA binding protein 7; plus strand). Cytogenetic location: 8q12.2.
Variant type: single nucleotide variant.
Coding change: c.3366G>C on transcript NM_017780.4 (MANE Select); coding-DNA position 3366, G replaced by C.
Protein change: p.Lys1122Asn; replaces lysine 1122 with asparagine.
Molecular consequence: missense variant. On other transcripts: intron variant (1).
Genome position (GRCh38, 1-based): chr8:60,824,004, G>C. VCF-style: chr8-60824004-G-C. GRCh37 (hg19) VCF-style: chr8-61736563-G-C.
Other names: c.1717-38225G>C (NM_001316690.1); c.3366G>C (NM_017780.2); short protein forms K1122N.
Identifiers: ClinVar variation 95786 (VCV000095786.61), dbSNP rs41272440, ClinGen allele CA223290.